The following is an entry in ClinVar:

NM_001349206.2(LPIN1):c.2038C>T (p.Pro680Ser)

Gene: LPIN1 (lipin 1; plus strand). Cytogenetic location: 2p25.1.
Variant type: single nucleotide variant.
Coding change: c.2038C>T on transcript NM_001349206.2 (MANE Select); coding-DNA position 2038, C replaced by T.
Protein change: p.Pro680Ser; replaces proline 680 with serine.
Molecular consequence: missense variant. On other transcripts: non-coding transcript variant (1).
Genome position (GRCh38, 1-based): chr2:11,804,447, C>T. VCF-style: chr2-11804447-C-T. GRCh37 (hg19) VCF-style: chr2-11944573-C-T.
Other names: c.1948C>T, p.Pro650Ser (NM_001261427.3); c.2185C>T, p.Pro729Ser (NM_001261428.3); c.1930C>T, p.Pro644Ser (NM_001349199.2, NM_145693.4); c.2008C>T, p.Pro670Ser (NM_001349200.2, NM_001349201.2); c.2035C>T, p.Pro679Ser (NM_001349202.2, NM_001349203.2); c.2038C>T, p.Pro680Ser (NM_001349204.2, NM_001349205.2); c.2128C>T, p.Pro710Ser (NM_001349207.2); c.2077C>T, p.Pro693Ser (NM_001349208.2); and 1 more; short protein forms P670S, P679S, P650S, P680S, P710S, P644S, P693S, P729S.
Identifiers: ClinVar variation 2151236 (VCV002151236.2), dbSNP rs759076614, ClinGen allele CA1533975.

ClinVar aggregate classification (germline): Uncertain significance. Review status: criteria provided, multiple submitters, no conflicts (2 of 4 stars). 2 submissions from 2 submitters: Uncertain significance (2). Last evaluated 2024-03-11.

Conditions:
Inborn genetic diseases. Identifiers: MedGen C0950123, MeSH D030342.

Allele frequency attached by ClinVar (database versions not stated): ExAC 0.00002; gnomAD 0.00002.
gnomAD v4.1: 16 of 1,614,028 alleles (0.00099%); highest among the groups gnomAD compares: Non-Finnish European, 0.0013%; no homozygotes.

Submissions (2):

Ambry Genetics
Classification: Uncertain significance for Inborn genetic diseases. Last evaluated: 2024-03-11. Review status: criteria provided, single submitter. Criteria: Ambry Variant Classification Scheme 2023. Collection method: clinical testing. Allele origin: germline.

Labcorp Genetics (formerly Invitae), Labcorp
Classification: Uncertain significance. Last evaluated: 2022-01-02. Review status: criteria provided, single submitter. Criteria: Invitae Variant Classification Sherloc (09022015). Collection method: clinical testing. Allele origin: germline.
Comment: This sequence change replaces proline, which is neutral and non-polar, with serine, which is neutral and polar, at codon 644 of the LPIN1 protein (p.Pro644Ser). This variant is present in population databases (rs759076614, gnomAD 0.005%). This variant has not been reported in the literature in individuals affected with LPIN1-related conditions. Algorithms developed to predict the effect of missense changes on protein structure and function are either unavailable or do not agree on the potential impact of this missense change (SIFT: "Tolerated"; PolyPhen-2: "Possibly Damaging"; Align-GVGD: "Class C0"). In summary, the available evidence is currently insufficient to determine the role of this variant in disease. Therefore, it has been classified as a Variant of Uncertain Significance.